The following is an entry in ClinVar:

NM_000051.4(ATM):c.617A>T (p.Asn206Ile)

Gene: ATM (ATM serine/threonine kinase; plus strand). Cytogenetic location: 11q22.3.
Variant type: single nucleotide variant.
Coding change: c.617A>T on transcript NM_000051.4 (MANE Select); coding-DNA position 617, A replaced by T.
Protein change: p.Asn206Ile; replaces asparagine 206 with isoleucine.
Molecular consequence: missense variant.
Genome position (GRCh38, 1-based): chr11:108,244,073, A>T. VCF-style: chr11-108244073-A-T. GRCh37 (hg19) VCF-style: chr11-108114800-A-T.
Other names: c.617A>T, p.Asn206Ile (NM_001351834.2); short protein forms N206I.
Identifiers: ClinVar variation 3720433 (VCV003720433.2).
Genomic context (GRCh38, chr11:108,244,073, plus strand): 5'-TAGTGGCTAGAATAATTCATGCTGTTACCAAAGGATGCTGTTCTCAGACTGACGGATTAA[A>T]TTCCAAATTTTTGGACTTTTTTTCCAAGGCTATTCAGTGTGCGAGGTAATCTAATCTCTT-3'
Protein context (NP_000042.3, residues 196-216): KGCCSQTDGL[Asn206Ile]SKFLDFFSKA

ClinVar aggregate classification (germline): Uncertain significance (1 of 4 stars; one submission).

Conditions:
Ataxia-telangiectasia syndrome (AT). Also called: ATAXIA-TELANGIECTASIA, COMPLEMENTATION GROUP A; ATAXIA-TELANGIECTASIA, FRESNO VARIANT; Ataxia-telangiectasia; Ataxia-telangiectasia, complementation group E; Ataxia telangiectasia (A-T); LOUIS-BAR SYNDROME. Identifiers: Orphanet 100, MedGen C0004135, MONDO:0008840, OMIM 208900.

Submission:

Labcorp Genetics (formerly Invitae), Labcorp
Classification: Uncertain significance for Ataxia-telangiectasia syndrome. Last evaluated: 2024-12-09. Review status: criteria provided, single submitter. Criteria: Invitae Variant Classification Sherloc (09022015). Collection method: clinical testing. Allele origin: germline.
Comment: This sequence change replaces asparagine, which is neutral and polar, with isoleucine, which is neutral and non-polar, at codon 206 of the ATM protein (p.Asn206Ile). This variant is not present in population databases (gnomAD no frequency). This variant has not been reported in the literature in individuals affected with ATM-related conditions. Invitae Evidence Modeling of protein sequence and biophysical properties (such as structural, functional, and spatial information, amino acid conservation, physicochemical variation, residue mobility, and thermodynamic stability) indicates that this missense variant is not expected to disrupt ATM protein function with a negative predictive value of 95%. In summary, the available evidence is currently insufficient to determine the role of this variant in disease. Therefore, it has been classified as a Variant of Uncertain Significance.